The following is an entry in ClinVar:

NM_003011.4(SET):c.739_741del (p.Asp247del)

Gene: SET (SET nuclear proto-oncogene; plus strand). Cytogenetic location: 9q34.11.
Variant type: Deletion.
Coding change: c.739_741del on transcript NM_003011.4 (MANE Select); coding-DNA positions 739 to 741, 3 bases deleted (GAT; older notation c.739_741delGAT).
Protein change: p.Asp247del; deletes aspartic acid 247.
Molecular consequence: inframe deletion.
Genome position (GRCh38, 1-based): chr9:128,693,971-128,693,973, GAT deleted. VCF-style (leftmost placement, unchanged base first): chr9-128693970-AGAT-A. GRCh37 (hg19) VCF-style: chr9-131456249-AGAT-A.
Other names: c.778_780del, p.Asp260del (NM_001122821.2, NM_001374326.1); c.712_714del, p.Asp238del (NM_001248000.2); c.706_708del, p.Asp236del (NM_001248001.2); short protein forms D236del, D238del, D247del, D260del.
Identifiers: ClinVar variation 3344904 (VCV003344904.1).

ClinVar aggregate classification (germline): Uncertain significance (0 of 4 stars; one submission).

Conditions:
SET-related disorder. Also called: SET-related condition.

Submission:

PreventionGenetics, part of Exact Sciences
Classification: Uncertain significance for SET-related condition. Last evaluated: 2024-08-05. Review status: no assertion criteria provided. Collection method: clinical testing. Allele origin: germline.
Comment: The SET c.778_780delGAT variant is predicted to result in an in-frame deletion (p.Asp260del). To our knowledge, this variant has not been reported in the literature or in a large population database, indicating this variant is rare. At this time, the clinical significance of this variant is uncertain due to the absence of conclusive functional and genetic evidence.